The following is an entry in ClinVar:

NM_004006.3(DMD):c.2734G>A (p.Val912Met)

Gene: DMD (dystrophin; minus strand). Cytogenetic location: Xp21.1.
Variant type: single nucleotide variant.
Coding change: c.2734G>A on transcript NM_004006.3 (MANE Select); coding-DNA position 2734, G replaced by A.
Protein change: p.Val912Met; replaces valine 912 with methionine.
Molecular consequence: missense variant.
Genome position (GRCh38, 1-based): chrX:32,484,988, C>T on the plus strand (G>A on the coding strand, the complement: DMD is on the minus strand). VCF-style: chrX-32484988-C-T. GRCh37 (hg19) VCF-style: chrX-32503105-C-T.
Other names: p.V912M:GTG>ATG; c.2710G>A, p.Val904Met (NM_000109.4); c.2722G>A, p.Val908Met (NM_004009.3); c.2365G>A, p.Val789Met (NM_004010.3); short protein forms V912M, V789M, V904M, V908M.
Identifiers: ClinVar variation 201745 (VCV000201745.11), dbSNP rs201549805, ClinGen allele CA308382.

ClinVar aggregate classification (germline): Uncertain significance. Review status: criteria provided, multiple submitters, no conflicts (2 of 4 stars). 6 submissions from 6 submitters: Uncertain significance (5). 1 of the submissions does not count toward it. Last evaluated 2026-06-10.

Conditions:
Progressive muscular dystrophy. Identifiers: Orphanet 206644, MedGen C4551827, MONDO:0016106.
Becker muscular dystrophy (BMD). Also called: Becker Muscular Dystrophy (BMD); MUSCULAR DYSTROPHY, PSEUDOHYPERTROPHIC PROGRESSIVE, BECKER TYPE. Identifiers: Orphanet 98895, MedGen C0917713, MONDO:0010311, OMIM 300376.
Cardiomyopathy (CMYO). Also called: Cardiomyopathies. Identifiers: Orphanet 167848, MedGen C0878544, MONDO:0004994, HP:0001638. Inheritance: Various modes of inheritance.
Duchenne muscular dystrophy (DMD). Also called: Duchenne Muscular Dystrophy (DMD); MUSCULAR DYSTROPHY, PSEUDOHYPERTROPHIC PROGRESSIVE, DUCHENNE TYPE. Identifiers: Orphanet 98896, MedGen C0013264, MONDO:0010679, OMIM 310200.
Dystrophin deficiency.
Cardiovascular phenotype. Identifiers: MedGen CN230736.

Allele frequency attached by ClinVar (database versions not stated): gnomAD 0.00001; 1000 Genomes Project 0.00026; 1000 Genomes Project 30x 0.00042.
gnomAD v4.1: 8 of 1,209,916 alleles (0.00066%); highest among the groups gnomAD compares: East Asian, 0.0059%; no homozygotes.

Submissions (6):

Myriad Genetics, Inc.
Classification: Uncertain significance for Progressive muscular dystrophy. Last evaluated: 2026-06-10. Review status: criteria provided, single submitter. Criteria: Myriad Autosomal Dominant, Autosomal Recessive and X-Linked Classification Criteria (2023). Collection method: clinical testing. Allele origin: unknown.
Comment: NM_004006.2(DMD):c.2734G>A(V912M) is a missense variant classified as a variant of uncertain significance in the context of dystrophinopathy (including Duchenne/Becker muscular dystrophy). V912M has not been observed in cases with relevant disease. Relevant functional assessments of this variant are not available in the literature. V912M has been observed in referenced population frequency databases. In summary, there is insufficient evidence to classify NM_004006.2(DMD):c.2734G>A(V912M) as pathogenic or benign. Please note: this variant was assessed in the context of healthy population screening.

Labcorp Genetics (formerly Invitae), Labcorp
Classification: Uncertain significance for Duchenne muscular dystrophy. Last evaluated: 2025-04-28. Review status: criteria provided, single submitter. Criteria: Invitae Variant Classification Sherloc (09022015). Collection method: clinical testing. Allele origin: germline.
Comment: This sequence change replaces valine, which is neutral and non-polar, with methionine, which is neutral and non-polar, at codon 912 of the DMD protein (p.Val912Met). This variant is not present in population databases (gnomAD no frequency). This variant has not been reported in the literature in individuals affected with DMD-related conditions. ClinVar contains an entry for this variant (Variation ID: 201745). Invitae Evidence Modeling of protein sequence and biophysical properties (such as structural, functional, and spatial information, amino acid conservation, physicochemical variation, residue mobility, and thermodynamic stability) indicates that this missense variant is not expected to disrupt DMD protein function with a negative predictive value of 95%. In summary, the available evidence is currently insufficient to determine the role of this variant in disease. Therefore, it has been classified as a Variant of Uncertain Significance.

Ambry Genetics
Classification: Uncertain significance for Cardiovascular phenotype. Last evaluated: 2023-01-20. Review status: criteria provided, single submitter. Criteria: Ambry Variant Classification Scheme 2023. Collection method: clinical testing. Allele origin: germline.
Comment: The p.V912M variant (also known as c.2734G>A), located in coding exon 21 of the DMD gene, results from a G to A substitution at nucleotide position 2734. The valine at codon 912 is replaced by methionine, an amino acid with highly similar properties. Based on data from gnomAD, the A allele has an overall frequency of 0.0005% (1/183290) total alleles studied, with 0 hemizygote(s) observed. The highest observed frequency was 0.0072% (1/13844) of East Asian alleles. This amino acid position is well conserved in available vertebrate species. In addition, this alteration is predicted to be tolerated by in silico analysis. Since supporting evidence is limited at this time, the clinical significance of this alteration remains unclear.

Laboratory for Molecular Medicine, Mass General Brigham Personalized Medicine
Classification: Uncertain significance. Last evaluated: 2021-07-28. Review status: criteria provided, single submitter. Criteria: ACMG Guidelines, 2015. Collection method: clinical testing. Allele origin: germline.
Comment: The p.Val912Met variant in DMD has not been previously reported in the literature in individuals with DMD-associated diseases but has been reported by other clinical laboratories in ClinVar (Variation ID: 201745). It has also been identified in 0.007% (1/13844) of East Asian chromosomes by gnomAD. Computational prediction tools and conservation analyses do not provide strong support for or against an impact to the protein. In summary, the clinical significance of this variant is uncertain. ACMG/AMP Criteria applied: PM2_Supporting.

GeneDx
Classification: Uncertain significance. Last evaluated: 2014-07-11. Review status: criteria provided, single submitter. Criteria: GeneDx Variant Classification (06012015). Collection method: clinical testing. Allele origin: germline. Affected: yes.
Comment: p.Val912Met (GTG>ATG): c.2734 G>A in exon 21 of the DMD gene (NM_004006.2). A variant of unknown significance has been identified in the DMD gene. The V912M variant has not been published as a mutation, nor has it been reported as a benign polymorphism to our knowledge. The V912M variant was not observed in approximately 6500 individuals of European and African American ancestry in the NHLBI Exome Sequencing Project, indicating it is not a common benign variant in these populations. This substitution occurs at a position that is conserved across mammals. However, the V912M variant is a conservative amino acid substitution, which is not likely to impact secondary protein structure as these residues share similar properties. In silico analysis predicts this variant likely does not alter the protein structure/function. Mutations in nearby residues have not been reported in association with muscular dystrophy, indicating this region of the protein may tolerate change. Therefore, based on the currently available information, it is unclear whether this variant is a pathogenic mutation or a rare benign variant. The variant is found in CARDIOMYOPATHY panel(s).

Natera, Inc.
Classification: Uncertain significance for Becker muscular dystrophy; Cardiomyopathy; Duchenne muscular dystrophy; Dystrophin deficiency. Last evaluated: 2018-12-12. Review status: no assertion criteria provided. Collection method: clinical testing. Allele origin: germline. Not counted in ClinVar's aggregate classification.